The following is an entry in ClinVar:

ClinVar aggregate classification (germline): Uncertain significance (1 of 4 stars; one submission).

Conditions:
POLD1-related polyposis and colorectal cancer syndrome (CRCS10). Also called: Colorectal cancer 10; COLORECTAL CANCER, SUSCEPTIBILITY TO, ON CHROMOSOME 19q; Colorectal cancer, susceptibility to, 10. Identifiers: Orphanet 220460, MedGen C2675481, MONDO:0012953, OMIM 612591.

gnomAD v4.1: 1 of 1,614,036 alleles (0.000062%); no homozygotes.

Submission:

Labcorp Genetics (formerly Invitae), Labcorp
Classification: Uncertain significance for POLD1-related polyposis and colorectal cancer syndrome. Last evaluated: 2021-04-04. Review status: criteria provided, single submitter. Criteria: Invitae Variant Classification Sherloc (09022015). Collection method: clinical testing. Allele origin: germline.
Comment: In summary, the available evidence is currently insufficient to determine the role of this variant in disease. Therefore, it has been classified as a Variant of Uncertain Significance. Algorithms developed to predict the effect of missense changes on protein structure and function (SIFT, PolyPhen-2, Align-GVGD) all suggest that this variant is likely to be tolerated, but these predictions have not been confirmed by published functional studies and their clinical significance is uncertain. This variant has not been reported in the literature in individuals with POLD1-related conditions. This variant is not present in population databases (ExAC no frequency). This sequence change replaces proline with threonine at codon 93 of the POLD1 protein (p.Pro93Thr). The proline residue is weakly conserved and there is a small physicochemical difference between proline and threonine.

NM_002691.4(POLD1):c.277C>A (p.Pro93Thr)

Gene: POLD1 (DNA polymerase delta 1, catalytic subunit; plus strand). Cytogenetic location: 19q13.33.
Variant type: single nucleotide variant.
Coding change: c.277C>A on transcript NM_002691.4 (MANE Select); coding-DNA position 277, C replaced by A.
Protein change: p.Pro93Thr; replaces proline 93 with threonine.
Molecular consequence: missense variant. On other transcripts: non-coding transcript variant (1).
Genome position (GRCh38, 1-based): chr19:50,399,445, C>A. VCF-style: chr19-50399445-C-A. GRCh37 (hg19) VCF-style: chr19-50902702-C-A.
Other names: c.277C>A, p.Pro93Thr (NM_001256849.1, NM_001308632.1); short protein forms P93T.
Identifiers: ClinVar variation 1462888 (VCV001462888.8), dbSNP rs772106549, ClinGen allele CA406970557.